The following is an entry in ClinVar:

NM_005055.5(RAPSN):c.485A>G (p.Glu162Gly)

Gene: RAPSN (receptor associated protein of the synapse; minus strand). Cytogenetic location: 11p11.2.
Variant type: single nucleotide variant.
Coding change: c.485A>G on transcript NM_005055.5 (MANE Select); coding-DNA position 485, A replaced by G.
Protein change: p.Glu162Gly; replaces glutamic acid 162 with glycine.
Molecular consequence: missense variant.
Genome position (GRCh38, 1-based): chr11:47,447,858, T>C on the plus strand (A>G on the coding strand, the complement: RAPSN is on the minus strand). VCF-style: chr11-47447858-T-C. GRCh37 (hg19) VCF-style: chr11-47469410-T-C.
Other names: c.485A>G, p.Glu162Gly (NM_032645.5); short protein forms E162G.
Identifiers: ClinVar variation 3902571 (VCV003902571.1).
Genomic context (GRCh38, chr11:47,447,858, plus strand): 5'-GGGTGCAGGCCCACCTTGACCTGGGCATAGAAGCTGCCCAGGCTGCAGCACACGCGGCAC[T>C]CGAGCATGGCGTCATCATTGTTGTGGGCATAGCGCAGGGCCTTCTCGAAGCTCTCCAGGG-3'
Protein context (NP_005046.2, residues 152-172): YAHNNDDAML[Glu162Gly]CRVCCSLGSF

ClinVar aggregate classification (germline): Likely pathogenic (1 of 4 stars; one submission).

Conditions:
Congenital myasthenic syndrome (CMS). Also called: Congenital Myasthenic Syndromes. Identifiers: Orphanet 590, MedGen C0751882, MeSH D020294, MONDO:0018940.

gnomAD v4.1: 1 of 1,613,538 alleles (0.000062%); highest among the groups gnomAD compares: Non-Finnish European, 0.000085%; no homozygotes.

Submission:

Women's Health and Genetics/Laboratory Corporation of America, LabCorp
Classification: Likely pathogenic for Congenital myasthenic syndrome. Last evaluated: 2025-05-02. Review status: criteria provided, single submitter. Criteria: LabCorp Variant Classification Summary - May 2015. Collection method: clinical testing. Allele origin: germline.
Comment: Variant summary: RAPSN c.485A>G (p.Glu162Gly) results in a non-conservative amino acid change in the encoded protein sequence. Algorithms developed to predict the effect of missense changes on protein structure and function all suggest that this variant is likely to be disruptive. The variant allele was found at a frequency of 8.1e-06 in 248242 control chromosomes (gnomAD). c.485A>G has been observed in a fetus in homozygous state affected with clinical features of congenital myasthenic syndrome (Quinlan-Jones_2019). These data indicate that the variant is associated with disease. To our knowledge, no experimental evidence demonstrating an impact on protein function has been reported. Another missense change at the same codon (p.Glu162Ly), has been classified as pathogenic in ClinVar suggesting this is a functionally important residue. The following publication has been ascertained in the context of this evaluation (PMID: 30293990). No submitters have cited clinical-significance assessments for this variant to ClinVar. Based on the evidence outlined above, the variant was classified as likely pathogenic.

Literature cited by the submitters: PubMed 30293990.